The following is an entry in ClinVar:

ClinVar aggregate classification (germline): Uncertain significance (1 of 4 stars; one submission).

Submission:

GeneDx
Classification: Uncertain significance. Last evaluated: 2019-03-01. Review status: criteria provided, single submitter. Criteria: GeneDx Variant Classification Process June 2021. Collection method: clinical testing. Allele origin: germline. Affected: yes.
Comment: Not observed in large population cohorts (Lek et al., 2016; McVean et al., 2012; Exome Variant Server); Has not been previously published as pathogenic or benign to our knowledge; In-silico analyses, including splice predictors and evolutionary conservation, are inconsistent in their assessment as to whether or not the variant is damaging; In the absence of RNA/functional studies, the actual effect of this sequence change is unknown

NM_152490.5(B3GALNT2):c.555+5G>T

Gene: B3GALNT2 (beta-1,3-N-acetylgalactosaminyltransferase 2; minus strand). Cytogenetic location: 1q42.3.
Variant type: single nucleotide variant.
Coding change: c.555+5G>T on transcript NM_152490.5 (MANE Select); 5 bases into the intron after coding-DNA position 555, G replaced by T.
Molecular consequence: intron variant.
Genome position (GRCh38, 1-based): chr1:235,484,317, C>A on the plus strand (G>T on the coding strand, the complement: B3GALNT2 is on the minus strand). VCF-style: chr1-235484317-C-A. GRCh37 (hg19) VCF-style: chr1-235647633-C-A.
Other names: c.678+5G>T (NM_001277155.3).
Identifiers: ClinVar variation 1305620 (VCV001305620.2), dbSNP rs373909279, ClinGen allele CA2486519403.